The following is an entry in ClinVar:

NM_001042681.2(RERE):c.2851C>T (p.Leu951Phe)

Gene: RERE (arginine-glutamic acid dipeptide repeats; minus strand). Cytogenetic location: 1p36.23.
Variant type: single nucleotide variant.
Coding change: c.2851C>T on transcript NM_001042681.2 (MANE Select); coding-DNA position 2851, C replaced by T.
Protein change: p.Leu951Phe; replaces leucine 951 with phenylalanine.
Molecular consequence: missense variant.
Genome position (GRCh38, 1-based): chr1:8,360,656, G>A on the plus strand (C>T on the coding strand, the complement: RERE is on the minus strand). VCF-style: chr1-8360656-G-A. GRCh37 (hg19) VCF-style: chr1-8420716-G-A.
Other names: c.1189C>T, p.Leu397Phe (NM_001042682.2); c.2851C>T, p.Leu951Phe (NM_012102.4); short protein forms L951F, L397F.
Identifiers: ClinVar variation 4986466 (VCV004986466.1).

ClinVar aggregate classification (germline): Uncertain significance (1 of 4 stars; one submission).

Conditions:
RERE-related disorder. Also called: RERE-related condition; RERE-Related Disorders. Identifiers: MedGen CN381537.

Submission:

PreventionGenetics, part of Exact Sciences
Classification: Uncertain significance for RERE-related condition. Last evaluated: 2025-03-25. Review status: criteria provided, single submitter. Criteria: ACMG Guidelines, 2015. Collection method: clinical testing. Allele origin: germline.
Comment: The RERE c.2851C>T variant is predicted to result in the amino acid substitution p.Leu951Phe. To our knowledge, this variant has not been reported in the literature or in a large population database (gnomAD), indicating this variant is rare. At this time, the clinical significance of this variant is uncertain due to the absence of conclusive functional and genetic evidence.